The following is an entry in ClinVar:

ClinVar aggregate classification (germline): Uncertain significance (1 of 4 stars; one submission).

Allele frequency attached by ClinVar (database versions not stated): gnomAD 0.00001; gnomAD exomes 0.00001; TOPMed 0.00001.
gnomAD v4.1: 5 of 1,613,902 alleles (0.00031%); highest among the groups gnomAD compares: African/African-American, 0.0067%; no homozygotes.

Submission:

Labcorp Genetics (formerly Invitae), Labcorp
Classification: Uncertain significance. Last evaluated: 2022-10-18. Review status: criteria provided, single submitter. Criteria: Invitae Variant Classification Sherloc (09022015). Collection method: clinical testing. Allele origin: germline.
Comment: This sequence change replaces alanine, which is neutral and non-polar, with serine, which is neutral and polar, at codon 129 of the HMCN1 protein (p.Ala129Ser). This variant is present in population databases (no rsID available, gnomAD 0.01%). This variant has not been reported in the literature in individuals affected with HMCN1-related conditions. Algorithms developed to predict the effect of missense changes on protein structure and function are either unavailable or do not agree on the potential impact of this missense change (SIFT: "Deleterious"; PolyPhen-2: "Probably Damaging"; Align-GVGD: "Class C0"). In summary, the available evidence is currently insufficient to determine the role of this variant in disease. Therefore, it has been classified as a Variant of Uncertain Significance.

NM_031935.3(HMCN1):c.385G>T (p.Ala129Ser)

Gene: HMCN1 (hemicentin 1; plus strand). Cytogenetic location: 1q31.1.
Variant type: single nucleotide variant.
Coding change: c.385G>T on transcript NM_031935.3 (MANE Select); coding-DNA position 385, G replaced by T.
Protein change: p.Ala129Ser; replaces alanine 129 with serine.
Molecular consequence: missense variant.
Genome position (GRCh38, 1-based): chr1:185,864,515, G>T. VCF-style: chr1-185864515-G-T. GRCh37 (hg19) VCF-style: chr1-185833647-G-T.
Other names: short protein forms A129S.
Identifiers: ClinVar variation 2140505 (VCV002140505.4), dbSNP rs1480697139, ClinGen allele CA343865900.